The following is an entry in ClinVar:

NM_053025.4(MYLK):c.3659C>A (p.Ala1220Glu)

Gene: MYLK (myosin light chain kinase; minus strand). Cytogenetic location: 3q21.1.
Variant type: single nucleotide variant.
Coding change: c.3659C>A on transcript NM_053025.4 (MANE Select); coding-DNA position 3659, C replaced by A.
Protein change: p.Ala1220Glu; replaces alanine 1220 with glutamic acid.
Molecular consequence: missense variant.
Genome position (GRCh38, 1-based): chr3:123,667,181, G>T on the plus strand (C>A on the coding strand, the complement: MYLK is on the minus strand). VCF-style: chr3-123667181-G-T. GRCh37 (hg19) VCF-style: chr3-123386028-G-T.
Other names: c.3131C>A, p.Ala1044Glu (NM_001321309.2); c.3452C>A, p.Ala1151Glu (NM_053026.4, NM_053028.4); c.3659C>A, p.Ala1220Glu (NM_053027.4); c.3659C>A (NM_053025.3); short protein forms A1220E, A1044E, A1151E.
Identifiers: ClinVar variation 2725489 (VCV002725489.4), dbSNP rs370872760, ClinGen allele CA354231924.
Genomic context (GRCh38, chr3:123,667,181, plus strand): 5'-TGCCGTGGCCAATTACCTGCCTTCGGAGGTGTCTTGGGGGCAGGTTTCTTTTTCACAGTC[G>T]CATCACCTGAAACAAAGAAGTTCACAAGTTATTTCCTGTAGTTCTGTTTTTTTCACAAAG-3'
Protein context (NP_444253.3, residues 1210-1230): LPPVLGTESD[Ala1220Glu]TVKKKPAPKT

ClinVar aggregate classification (germline): Uncertain significance. Review status: criteria provided, multiple submitters, no conflicts (2 of 4 stars). 2 submissions from 2 submitters: Uncertain significance (2). Last evaluated 2024-04-08.

Conditions:
Aortic aneurysm, familial thoracic 7 (AAT7). Also called: AORTIC DISSECTION, FAMILIAL, WITH OR WITHOUT AORTIC ANEURYSM. Identifiers: MedGen C3151077, MONDO:0013418, OMIM 613780.
Familial thoracic aortic aneurysm and aortic dissection (TAAD). Also called: Thoracic aortic aneurysms and dissections. Identifiers: Orphanet 91387, MedGen C4707243, MONDO:0019625.

gnomAD v4.1: 1 of 1,613,860 alleles (0.000062%); highest among the groups gnomAD compares: Non-Finnish European, 0.000085%; no homozygotes.

Submissions (2):

Ambry Genetics
Classification: Uncertain significance for Familial thoracic aortic aneurysm and aortic dissection. Last evaluated: 2024-04-08. Review status: criteria provided, single submitter. Criteria: Ambry Variant Classification Scheme 2023. Collection method: clinical testing. Allele origin: germline.
Comment: The p.A1220E variant (also known as c.3659C>A), located in coding exon 18 of the MYLK gene, results from a C to A substitution at nucleotide position 3659. The alanine at codon 1220 is replaced by glutamic acid, an amino acid with dissimilar properties. This amino acid position is conserved. In addition, the in silico prediction for this alteration is inconclusive. Based on the available evidence, the clinical significance of this variant remains unclear.

Labcorp Genetics (formerly Invitae), Labcorp
Classification: Uncertain significance for Aortic aneurysm, familial thoracic 7. Last evaluated: 2023-08-02. Review status: criteria provided, single submitter. Criteria: Invitae Variant Classification Sherloc (09022015). Collection method: clinical testing. Allele origin: germline.
Comment: In summary, the available evidence is currently insufficient to determine the role of this variant in disease. Therefore, it has been classified as a Variant of Uncertain Significance. This variant has not been reported in the literature in individuals affected with MYLK-related conditions. This variant is not present in population databases (gnomAD no frequency). Advanced modeling of protein sequence and biophysical properties (such as structural, functional, and spatial information, amino acid conservation, physicochemical variation, residue mobility, and thermodynamic stability) performed at Invitae indicates that this missense variant is not expected to disrupt MYLK protein function. This sequence change replaces alanine, which is neutral and non-polar, with glutamic acid, which is acidic and polar, at codon 1220 of the MYLK protein (p.Ala1220Glu).